The following is an entry in ClinVar:

NM_024656.4(COLGALT1):c.950-6C>T

Gene: COLGALT1 (collagen beta(1-O)galactosyltransferase 1; plus strand). Cytogenetic location: 19p13.11.
Variant type: single nucleotide variant.
Coding change: c.950-6C>T on transcript NM_024656.4 (MANE Select); 6 bases into the intron before coding-DNA position 950, C replaced by T.
Molecular consequence: intron variant.
Genome position (GRCh38, 1-based): chr19:17,577,189, C>T. VCF-style: chr19-17577189-C-T. GRCh37 (hg19) VCF-style: chr19-17687998-C-T.
Identifiers: ClinVar variation 2260437 (VCV002260437.2), dbSNP rs757644395, ClinGen allele CA9297117.
Genomic context (GRCh38, chr19:17,577,189, plus strand): 5'-AAAGCGTGTTGGAGAGAGGCTGGAGGCTCCTTACCCCAGCGACTCCTCAACGTCTGTGCC[C>T]CACAGTGAAGCACCCGCCCGCAGAGCCCTCCCGCTTCATCTCGGCTCCCACCAAGACACC-3'

ClinVar aggregate classification (germline): Uncertain significance (1 of 4 stars; one submission).

Conditions:
Inborn genetic diseases. Identifiers: MedGen C0950123, MeSH D030342.

Allele frequency attached by ClinVar (database versions not stated): gnomAD exomes below 0.00001; ExAC 0.00001.
gnomAD v4.1: 3 of 1,612,948 alleles (0.00019%); highest among the groups gnomAD compares: Admixed American, 0.0017%; no homozygotes.

Submission:

Ambry Genetics
Classification: Uncertain significance for Inborn genetic diseases. Last evaluated: 2022-02-08. Review status: criteria provided, single submitter. Criteria: Ambry Variant Classification Scheme 2023. Collection method: clinical testing. Allele origin: germline.
Comment: The c.950-6C>T intronic alteration consists of a C to T substitution 6 nucleotides before exon 7 of the COLGALT1 gene. Based on insufficient or conflicting evidence, the clinical significance of this alteration remains unclear.